The following is an entry in ClinVar:

NM_021008.4(DEAF1):c.280G>A (p.Ala94Thr)

Gene: DEAF1 (DEAF1 transcription factor; minus strand). Cytogenetic location: 11p15.5.
Variant type: single nucleotide variant.
Coding change: c.280G>A on transcript NM_021008.4 (MANE Select); coding-DNA position 280, G replaced by A.
Protein change: p.Ala94Thr; replaces alanine 94 with threonine.
Molecular consequence: missense variant. On other transcripts: intron variant (1).
Genome position (GRCh38, 1-based): chr11:694,768, C>T on the plus strand (G>A on the coding strand, the complement: DEAF1 is on the minus strand). VCF-style: chr11-694768-C-T. GRCh37 (hg19) VCF-style: chr11-694768-C-T.
Other names: c.280G>A, p.Ala94Thr (NM_001293634.2); c.-437-3170G>A (NM_001367390.1); short protein forms A94T.
Identifiers: ClinVar variation 1718750 (VCV001718750.7), dbSNP rs1479814587, ClinGen allele CA378938972.

ClinVar aggregate classification (germline): Uncertain significance. Review status: criteria provided, multiple submitters, no conflicts (2 of 4 stars). 2 submissions from 2 submitters: Uncertain significance (2). Last evaluated 2023-05-29.

Conditions:
Inborn genetic diseases. Identifiers: MedGen C0950123, MeSH D030342.

Allele frequency attached by ClinVar (database versions not stated): gnomAD 0.00001; 1000 Genomes Project 30x 0.00016.

Submissions (2):

Labcorp Genetics (formerly Invitae), Labcorp
Classification: Uncertain significance. Last evaluated: 2023-05-29. Review status: criteria provided, single submitter. Criteria: Invitae Variant Classification Sherloc (09022015). Collection method: clinical testing. Allele origin: germline.
Comment: This variant has not been reported in the literature in individuals affected with DEAF1-related conditions. In summary, the available evidence is currently insufficient to determine the role of this variant in disease. Therefore, it has been classified as a Variant of Uncertain Significance. Advanced modeling of protein sequence and biophysical properties (such as structural, functional, and spatial information, amino acid conservation, physicochemical variation, residue mobility, and thermodynamic stability) has been performed at Invitae for this missense variant, however the output from this modeling did not meet the statistical confidence thresholds required to predict the impact of this variant on DEAF1 protein function. ClinVar contains an entry for this variant (Variation ID: 1718750). This variant is not present in population databases (gnomAD no frequency). This sequence change replaces alanine, which is neutral and non-polar, with threonine, which is neutral and polar, at codon 94 of the DEAF1 protein (p.Ala94Thr).

Ambry Genetics
Classification: Uncertain significance for Inborn genetic diseases. Last evaluated: 2021-06-11. Review status: criteria provided, single submitter. Criteria: Ambry Variant Classification Scheme 2023. Collection method: clinical testing. Allele origin: germline.